The following is an entry in ClinVar:

NM_000037.4(ANK1):c.2389-2A>G

Gene: ANK1 (ankyrin 1; minus strand). Cytogenetic location: 8p11.21.
Variant type: single nucleotide variant.
Coding change: c.2389-2A>G on transcript NM_000037.4 (MANE Select); the canonical splice acceptor site of the intron before coding-DNA position 2389, A replaced by G.
Molecular consequence: splice acceptor variant.
Genome position (GRCh38, 1-based): chr8:41,701,624, T>C on the plus strand (A>G on the coding strand, the complement: ANK1 is on the minus strand). VCF-style: chr8-41701624-T-C. GRCh37 (hg19) VCF-style: chr8-41559142-T-C.
Other names: c.2488-2A>G (NM_001142446.2); c.2389-2A>G (NM_020477.3, NM_020475.3, NM_020476.3).
Identifiers: ClinVar variation 2690524 (VCV002690524.3), dbSNP rs761708703, ClinGen allele CA371065122.
Genomic context (GRCh38, chr8:41,701,624, plus strand): 5'-ACATCCAGGATCTCATCAACTGTCTCAGGGAAACTCATTCGATGCTTATCACTGACTAAC[T>C]AAAACGAGAAAAAGCAGATAATTCAACCCAAACTAGAGCCGCACACATTTTTTACCAGCC-3'

ClinVar aggregate classification (germline): Likely pathogenic. Review status: criteria provided, multiple submitters, no conflicts (2 of 4 stars). 2 submissions from 2 submitters: Likely pathogenic (2). Last evaluated 2025-06-09.

Conditions:
Hereditary spherocytosis type 1. Also called: Spherocytosis type 1; ANK1-Related Spherocytosis. Identifiers: Orphanet 822, MedGen C2674218, MONDO:0008447, OMIM 182900.

Submissions (2):

Labcorp Genetics (formerly Invitae), Labcorp
Classification: Likely pathogenic. Last evaluated: 2025-06-09. Review status: criteria provided, single submitter. Criteria: Invitae Variant Classification Sherloc (09022015). Collection method: clinical testing. Allele origin: germline.
Comment: This sequence change affects an acceptor splice site in intron 21 of the ANK1 gene. It is expected to disrupt RNA splicing. Variants that disrupt the donor or acceptor splice site typically lead to a loss of protein function (PMID: 16199547), and loss-of-function variants in ANK1 are known to be pathogenic (PMID: 8640229). This variant is not present in population databases (gnomAD no frequency). This variant has not been reported in the literature in individuals affected with ANK1-related conditions. ClinVar contains an entry for this variant (Variation ID: 2690524). Algorithms developed to predict the effect of sequence changes on RNA splicing suggest that this variant may disrupt the consensus splice site. In summary, the currently available evidence indicates that the variant is pathogenic, but additional data are needed to prove that conclusively. Therefore, this variant has been classified as Likely Pathogenic.

Revvity Omics, Revvity
Classification: Likely pathogenic for Hereditary spherocytosis type 1. Last evaluated: 2023-03-28. Review status: criteria provided, single submitter. Criteria: ACMG Guidelines, 2015. Collection method: clinical testing. Allele origin: germline.

Literature cited by the submitters: PubMed 16199547 (cited by Labcorp Genetics (formerly Invitae), Labcorp); PubMed 8640229 (cited by Labcorp Genetics (formerly Invitae), Labcorp).